The following is an entry in ClinVar:

ClinVar aggregate classification (germline): Benign. Review status: criteria provided, single submitter (1 of 4 stars). 2 submissions from 2 submitters: Benign (1). 1 of the submissions does not count toward it. Last evaluated 2019-12-31.

Conditions:
MYT1-related disorder. Also called: MYT1-related condition.

Allele frequency attached by ClinVar (database versions not stated): gnomAD exomes 0.00089 and 0.00224; ExAC 0.00279; 1000 Genomes Project 0.00859; gnomAD 0.00970 and 0.01038; 1000 Genomes Project 30x 0.01046; ESP Exome Variant Server 0.01069; TOPMed 0.01076.
gnomAD v4.1: 2,814 of 1,613,630 alleles (0.17%); highest among the groups gnomAD compares: African/African-American, 3.4%; 45 homozygotes.

Submissions (2):

Labcorp Genetics (formerly Invitae), Labcorp
Classification: Benign. Last evaluated: 2019-12-31. Review status: criteria provided, single submitter. Criteria: Invitae Variant Classification Sherloc (09022015). Collection method: clinical testing. Allele origin: germline.

PreventionGenetics, part of Exact Sciences
Classification: Benign for MYT1-related condition. Last evaluated: 2019-03-22. Review status: no assertion criteria provided. Collection method: clinical testing. Allele origin: germline. Not counted in ClinVar's aggregate classification.
Comment: This variant is classified as benign based on ACMG/AMP sequence variant interpretation guidelines (Richards et al. 2015 PMID: 25741868, with internal and published modifications).

NM_004535.3(MYT1):c.55+10G>A

Gene: MYT1 (myelin transcription factor 1; plus strand). Cytogenetic location: 20q13.33.
Variant type: single nucleotide variant.
Coding change: c.55+10G>A on transcript NM_004535.3 (MANE Select); 10 bases into the intron after coding-DNA position 55, G replaced by A.
Molecular consequence: intron variant.
Genome position (GRCh38, 1-based): chr20:64,198,926, G>A. VCF-style: chr20-64198926-G-A. GRCh37 (hg19) VCF-style: chr20-62830279-G-A.
Identifiers: ClinVar variation 781591 (VCV000781591.6), dbSNP rs2427613, ClinGen allele CA9974422.
Genomic context (GRCh38, chr20:64,198,926, plus strand): 5'-GCTTAGAAAATGAAGACAAGCGAGCTCGCACCCGATCCAAGGCCCTGCGAGGTGAGTGCC[G>A]CCCTCCCCTCCTCCAGGGCTGTAAATGCCACTTTCCTCCGCGGTCTTCCTCAGGAGCACA-3'